The following is an entry in ClinVar:

ClinVar aggregate classification (germline): Uncertain significance (1 of 4 stars; one submission).

Allele frequency attached by ClinVar (database versions not stated): TOPMed below 0.00001; gnomAD 0.00001.
gnomAD v4.1: 11 of 1,613,456 alleles (0.00068%); highest among the groups gnomAD compares: African/African-American, 0.0013%; no homozygotes.

Submission:

Labcorp Genetics (formerly Invitae), Labcorp
Classification: Uncertain significance. Last evaluated: 2021-06-23. Review status: criteria provided, single submitter. Criteria: Invitae Variant Classification Sherloc (09022015). Collection method: clinical testing. Allele origin: germline.
Comment: In summary, the available evidence is currently insufficient to determine the role of this variant in disease. Therefore, it has been classified as a Variant of Uncertain Significance. Algorithms developed to predict the effect of sequence changes on RNA splicing suggest that this variant may create or strengthen a splice site, but this prediction has not been confirmed by published transcriptional studies. Advanced modeling of protein sequence and biophysical properties (such as structural, functional, and spatial information, amino acid conservation, physicochemical variation, residue mobility, and thermodynamic stability) performed at Invitae indicates that this missense variant is not expected to disrupt DCHS1 protein function. This variant has not been reported in the literature in individuals with DCHS1-related conditions. This variant is not present in population databases (ExAC no frequency). This sequence change replaces threonine with serine at codon 2051 of the DCHS1 protein (p.Thr2051Ser). The threonine residue is highly conserved and there is a small physicochemical difference between threonine and serine.

NM_003737.4(DCHS1):c.6152C>G (p.Thr2051Ser)

Gene: DCHS1 (dachsous cadherin-related 1; minus strand). Cytogenetic location: 11p15.4.
Variant type: single nucleotide variant.
Coding change: c.6152C>G on transcript NM_003737.4 (MANE Select); coding-DNA position 6152, C replaced by G.
Protein change: p.Thr2051Ser; replaces threonine 2051 with serine.
Molecular consequence: missense variant.
Genome position (GRCh38, 1-based): chr11:6,626,887, G>C on the plus strand (C>G on the coding strand, the complement: DCHS1 is on the minus strand). VCF-style: chr11-6626887-G-C. GRCh37 (hg19) VCF-style: chr11-6648118-G-C.
Other names: short protein forms T2051S.
Identifiers: ClinVar variation 1486065 (VCV001486065.8), dbSNP rs1225332902, ClinGen allele CA379389033.